The following is an entry in ClinVar:

ClinVar aggregate classification (germline): Likely pathogenic (1 of 4 stars; one submission).

Conditions:
Dilated cardiomyopathy 1G (CMD1G). Identifiers: Orphanet 154, MedGen C1858763, MONDO:0011400, OMIM 604145.
Autosomal recessive limb-girdle muscular dystrophy type 2J (LGMDR10). Also called: Limb-girdle muscular dystrophy, type 2J; MUSCULAR DYSTROPHY, LIMB-GIRDLE, AUTOSOMAL RECESSIVE 10. Identifiers: Orphanet 140922, MedGen C1837342, MONDO:0012127, OMIM 608807.

Submission:

Labcorp Genetics (formerly Invitae), Labcorp
Classification: Likely pathogenic for Dilated cardiomyopathy 1G; Autosomal recessive limb-girdle muscular dystrophy type 2J. Last evaluated: 2022-10-30. Review status: criteria provided, single submitter. Criteria: Invitae Variant Classification Sherloc (09022015). Collection method: clinical testing. Allele origin: germline.
Comment: This sequence change creates a premature translational stop signal (p.Asn22920Ilefs*33) in the TTN gene. While this is not anticipated to result in nonsense mediated decay, it is expected to create a truncated TTN protein. This variant is not present in population databases (gnomAD no frequency). This variant has not been reported in the literature in individuals affected with TTN-related conditions. This variant is located in the A band of TTN (PMID: 25589632). Truncating variants in this region are significantly overrepresented in patients affected with dilated cardiomyopathy (PMID: 25589632). Truncating variants in this region have also been reported in individuals affected with autosomal recessive centronuclear myopathy (PMID: 23975875). In summary, the currently available evidence indicates that the variant is pathogenic, but additional data are needed to prove that conclusively. Therefore, this variant has been classified as Likely Pathogenic.

Literature cited by the submitters: PubMed 25589632; PubMed 23975875.

NM_001267550.2(TTN):c.68759del (p.Asn22920fs)

Genes: TTN (titin; minus strand), TTN-AS1 (TTN antisense RNA 1; plus strand). Cytogenetic location: 2q31.2.
Variant type: Deletion.
Coding change: c.68759del on transcript NM_001267550.2 (MANE Select); coding-DNA position 68759, one base deleted (A; older notation c.68759delA).
Protein change: p.Asn22920fs; shifts the reading frame from asparagine 22920.
Molecular consequence: frameshift variant.
Genome position (GRCh38, 1-based): chr2:178,577,667, T deleted on the plus strand (A on the coding strand, the reverse complement: TTN is on the minus strand); the first of 2 consecutive T bases (chr2:178,577,667-178,577,668); deleting either gives the same sequence. VCF-style (leftmost placement, unchanged base first): chr2-178577666-AT-A. GRCh37 (hg19) VCF-style: chr2-179442393-AT-A.
Other names: c.63836del, p.Asn21279fs (NM_001256850.1); c.41564del, p.Asn13855fs (NM_003319.4); c.61055del, p.Asn20352fs (NM_133378.4); c.41939del, p.Asn13980fs (NM_133432.3); c.42140del, p.Asn14047fs (NM_133437.4); short protein forms N13980fs, N20352fs, N13855fs, N14047fs, N21279fs, N22920fs.
Identifiers: ClinVar variation 2941139 (VCV002941139.3), dbSNP rs2468793952, ClinGen allele CA2740096041.